The following is an entry in ClinVar:

NM_001164508.2(NEB):c.1267A>G (p.Lys423Glu)

Gene: NEB (nebulin; minus strand). Cytogenetic location: 2q23.3.
Variant type: single nucleotide variant.
Coding change: c.1267A>G on transcript NM_001164508.2 (MANE Select); coding-DNA position 1267, A replaced by G.
Protein change: p.Lys423Glu; replaces lysine 423 with glutamic acid.
Molecular consequence: missense variant.
Genome position (GRCh38, 1-based): chr2:151,697,448, T>C on the plus strand (A>G on the coding strand, the complement: NEB is on the minus strand). VCF-style: chr2-151697448-T-C. GRCh37 (hg19) VCF-style: chr2-152553962-T-C.
Other names: c.1267A>G, p.Lys423Glu (NM_001164507.2, NM_001271208.2, NM_004543.5); c.1267A>G (NM_004543.4); short protein forms K423E.
Identifiers: ClinVar variation 854297 (VCV000854297.10), dbSNP rs2099604411, ClinGen allele CA348825766.
Genomic context (GRCh38, chr2:151,697,448, plus strand): 5'-GGTATGGATCCTCGAAGCTGCCTACATAATGTCCCAAAATATCTTTTAAGTAGGAATCTT[T>C]ATATTTTTTCTGCAAGACAAAACATACTTCATTTATTAATTGGTGAAATAATGGGTTCTT-3'
Protein context (NP_001157980.2, residues 413-433): LQNFSSDKKY[Lys423Glu]DSYLKDILGH

ClinVar aggregate classification (germline): Uncertain significance. Review status: criteria provided, multiple submitters, no conflicts (2 of 4 stars). 2 submissions from 2 submitters: Uncertain significance (2). Last evaluated 2022-12-02.

Conditions:
Inborn genetic diseases. Identifiers: MedGen C0950123, MeSH D030342.
Nemaline myopathy 2 (NEM2). Also called: Nemaline myopathy 2, autosomal recessive. Identifiers: MedGen C1850569, MONDO:0009725, OMIM 256030.

Allele frequency attached by ClinVar (database versions not stated): gnomAD exomes below 0.00001; TOPMed below 0.00001.
gnomAD v4.1: 2 of 1,613,262 alleles (0.00012%); highest among the groups gnomAD compares: South Asian, 0.0022%; no homozygotes.

Submissions (2):

Ambry Genetics
Classification: Uncertain significance for Inborn genetic diseases. Last evaluated: 2022-12-02. Review status: criteria provided, single submitter. Criteria: Ambry Variant Classification Scheme 2023. Collection method: clinical testing. Allele origin: germline.

Labcorp Genetics (formerly Invitae), Labcorp
Classification: Uncertain significance for Nemaline myopathy 2. Last evaluated: 2022-08-16. Review status: criteria provided, single submitter. Criteria: Invitae Variant Classification Sherloc (09022015). Collection method: clinical testing. Allele origin: germline.
Comment: This sequence change replaces lysine, which is basic and polar, with glutamic acid, which is acidic and polar, at codon 423 of the NEB protein (p.Lys423Glu). This variant is not present in population databases (gnomAD no frequency). This variant has not been reported in the literature in individuals affected with NEB-related conditions. ClinVar contains an entry for this variant (Variation ID: 854297). Algorithms developed to predict the effect of missense changes on protein structure and function are either unavailable or do not agree on the potential impact of this missense change (SIFT: "Deleterious"; PolyPhen-2: "Not Available"; Align-GVGD: "Class C0"). In summary, the available evidence is currently insufficient to determine the role of this variant in disease. Therefore, it has been classified as a Variant of Uncertain Significance.